The following is an entry in ClinVar:

ClinVar aggregate classification (germline): Uncertain significance (1 of 4 stars; one submission).

Conditions:
Hypermethioninemia with deficiency of S-adenosylhomocysteine hydrolase. Identifiers: Orphanet 88618, MedGen C3151058, MONDO:0013404, OMIM 613752.

Allele frequency attached by ClinVar (database versions not stated): gnomAD exomes below 0.00001.
gnomAD v4.1: 2 of 1,612,984 alleles (0.00012%); highest among the groups gnomAD compares: Non-Finnish European, 0.00017%; no homozygotes.

Submission:

Labcorp Genetics (formerly Invitae), Labcorp
Classification: Uncertain significance for Hypermethioninemia with deficiency of S-adenosylhomocysteine hydrolase. Last evaluated: 2025-10-02. Review status: criteria provided, single submitter. Criteria: Invitae Variant Classification Sherloc (09022015). Collection method: clinical testing. Allele origin: germline.
Comment: This sequence change replaces proline, which is neutral and non-polar, with leucine, which is neutral and non-polar, at codon 148 of the AHCY protein (p.Pro148Leu). This variant is not present in population databases (gnomAD no frequency). This variant has not been reported in the literature in individuals affected with AHCY-related conditions. ClinVar contains an entry for this variant (Variation ID: 2072117). Invitae Evidence Modeling of protein sequence and biophysical properties (such as structural, functional, and spatial information, amino acid conservation, physicochemical variation, residue mobility, and thermodynamic stability) has been performed for this missense variant. However, the output from this modeling did not meet the statistical confidence thresholds required to predict the impact of this variant on AHCY protein function. In summary, the available evidence is currently insufficient to determine the role of this variant in disease. Therefore, it has been classified as a Variant of Uncertain Significance.

NM_000687.4(AHCY):c.443C>T (p.Pro148Leu)

Gene: AHCY (adenosylhomocysteinase; minus strand). Cytogenetic location: 20q11.22.
Variant type: single nucleotide variant.
Coding change: c.443C>T on transcript NM_000687.4 (MANE Select); coding-DNA position 443, C replaced by T.
Protein change: p.Pro148Leu; replaces proline 148 with leucine.
Molecular consequence: missense variant.
Genome position (GRCh38, 1-based): chr20:34,292,360, G>A on the plus strand (C>T on the coding strand, the complement: AHCY is on the minus strand). VCF-style: chr20-34292360-G-A. GRCh37 (hg19) VCF-style: chr20-32880166-G-A.
Other names: c.359C>T, p.Pro120Leu (NM_001161766.2, NM_001322084.2, NM_001322085.2); c.449C>T, p.Pro150Leu (NM_001322086.2); c.443C>T, p.Pro148Leu (NM_001362750.2); short protein forms P120L, P148L, P150L.
Identifiers: ClinVar variation 2072117 (VCV002072117.4), dbSNP rs2036424542, ClinGen allele CA408658853.
Genomic context (GRCh38, chr20:34,292,360, plus strand): 5'-GGCAAACAGGCCCCACCCAGGCCACCAGCACCCAGCCCACCTGCCCCGCCCTGCTCACCT[G>A]GCAGAAGCTGCGGGTACTTGGTGTGGATGAGGTTGGTGAGGTCGCCCCCGTCGTCCAGAA-3'
Protein context (NP_000678.1, residues 138-158): LIHTKYPQLL[Pro148Leu]GIRGISEETT